The following is an entry in ClinVar:

NM_032380.5(GFM2):c.531C>T (p.Leu177=)

Gene: GFM2 (GTP dependent ribosome recycling factor mitochondrial GFM2; minus strand). Cytogenetic location: 5q13.3.
Variant type: single nucleotide variant.
Coding change: c.531C>T on transcript NM_032380.5 (MANE Select); coding-DNA position 531, C replaced by T.
Protein change: p.Leu177=; no amino-acid change (leucine 177 retained).
Molecular consequence: synonymous variant. On other transcripts: non-coding transcript variant (1).
Genome position (GRCh38, 1-based): chr5:74,747,769, G>A on the plus strand (C>T on the coding strand, the complement: GFM2 is on the minus strand). VCF-style: chr5-74747769-G-A. GRCh37 (hg19) VCF-style: chr5-74043594-G-A.
Other names: c.627C>T, p.Leu209= (NM_001281302.2); c.531C>T, p.Leu177= (NM_170681.3, NM_170691.3).
Identifiers: ClinVar variation 2655531 (VCV002655531.24), dbSNP rs748897250, ClinGen allele CA3306761.

ClinVar aggregate classification (germline): Likely benign (1 of 4 stars; one submission).

Allele frequency attached by ClinVar (database versions not stated): ExAC 0.00005.
gnomAD v4.1: 83 of 1,603,816 alleles (0.0052%); highest among the groups gnomAD compares: Admixed American, 0.0067%; no homozygotes.

Submission:

CeGaT Center for Human Genetics Tuebingen
Classification: Likely benign. Last evaluated: 2023-07-01. Review status: criteria provided, single submitter. Criteria: CeGaT Center For Human Genetics Tuebingen Variant Classification Criteria Version 2. Collection method: clinical testing. Allele origin: germline. Affected: yes. Observed: 1 variant allele.
Comment: GFM2: BP4, BP7